The following is an entry in ClinVar:

NM_000265.7(NCF1):c.1050C>G (p.Leu350=)

Genes: NCF1 (neutrophil cytosolic factor 1; plus strand), LOC106029312 (Williams-Beuren syndrome medial block B recombination region; plus strand). Cytogenetic location: 7q11.23.
Variant type: single nucleotide variant.
Coding change: c.1050C>G on transcript NM_000265.7 (MANE Select); coding-DNA position 1050, C replaced by G.
Protein change: p.Leu350=; no amino-acid change (leucine 350 retained).
Molecular consequence: synonymous variant.
Genome position (GRCh38, 1-based): chr7:74,788,703, C>G. VCF-style: chr7-74788703-C-G. GRCh37 (hg19) VCF-style: chr7-74203047-C-G.
Identifiers: ClinVar variation 2657601 (VCV002657601.24), dbSNP rs782656910, ClinGen allele CA4298264.
Genomic context (GRCh38, chr7:74,788,703, plus strand): 5'-TTTTCTGCAGCAGCGACGCCGCCAGGCGCGGCCGGGACCGCAGAGCCCCGGGAGCCCGCT[C>G]GGTGAGTGCAGCGGGAGAGGGCAGGAAGGGCAAGCCCTAGAGGCGGAGTCAGCGGGAGAG-3'
Protein context (NP_000256.4, residues 340-360): RPGPQSPGSP[Leu350=]EEERQTQRSK

ClinVar aggregate classification (germline): Likely benign (1 of 4 stars; one submission).

Allele frequency attached by ClinVar (database versions not stated): gnomAD exomes 0.00003; gnomAD 0.00006; ExAC 0.00007; TOPMed 0.00007.
gnomAD v4.1: 57 of 1,549,056 alleles (0.0037%); highest among the groups gnomAD compares: Admixed American, 0.014%; no homozygotes.

Submission:

CeGaT Center for Human Genetics Tuebingen
Classification: Likely benign. Last evaluated: 2022-12-01. Review status: criteria provided, single submitter. Criteria: CeGaT Center For Human Genetics Tuebingen Variant Classification Criteria Version 2. Collection method: clinical testing. Allele origin: germline. Affected: yes. Observed: 1 variant allele.
Comment: NCF1: BP4, BP7